The following is an entry in ClinVar:

ClinVar aggregate classification (germline): Uncertain significance (1 of 4 stars; one submission).

Submission:

Labcorp Genetics (formerly Invitae), Labcorp
Classification: Uncertain significance. Last evaluated: 2021-03-16. Review status: criteria provided, single submitter. Criteria: Invitae Variant Classification Sherloc (09022015). Collection method: clinical testing. Allele origin: germline.
Comment: This sequence change replaces threonine with arginine at codon 2485 of the SPEG protein (p.Thr2485Arg). The threonine residue is highly conserved and there is a moderate physicochemical difference between threonine and arginine. The frequency data for this variant in the population databases is considered unreliable, as metrics indicate insufficient coverage at this position in the ExAC database. This variant has not been reported in the literature in individuals with SPEG-related conditions. Algorithms developed to predict the effect of missense changes on protein structure and function are either unavailable or do not agree on the potential impact of this missense change (SIFT: "Deleterious"; PolyPhen-2: "Probably Damaging"; Align-GVGD: "Class C0"). In summary, the available evidence is currently insufficient to determine the role of this variant in disease. Therefore, it has been classified as a Variant of Uncertain Significance.

NM_005876.5(SPEG):c.7454C>G (p.Thr2485Arg)

Genes: ASIC4-AS1 (ASIC4 antisense RNA 1; minus strand), SPEG (striated muscle enriched protein kinase; plus strand). Cytogenetic location: 2q35.
Variant type: single nucleotide variant.
Coding change: c.7454C>G on transcript NM_005876.5 (MANE Select); coding-DNA position 7454, C replaced by G.
Protein change: p.Thr2485Arg; replaces threonine 2485 with arginine.
Molecular consequence: missense variant.
Genome position (GRCh38, 1-based): chr2:219,484,917, C>G. VCF-style: chr2-219484917-C-G. GRCh37 (hg19) VCF-style: chr2-220349639-C-G.
Other names: short protein forms T2485R.
Identifiers: ClinVar variation 1379213 (VCV001379213.8), dbSNP rs1026909949, ClinGen allele CA350702594.